The following is an entry in ClinVar:

NM_000155.4(GALT):c.262C>T (p.Gln88Ter)

Gene: GALT (galactose-1-phosphate uridylyltransferase; plus strand). Cytogenetic location: 9p13.3.
Variant type: single nucleotide variant.
Coding change: c.262C>T on transcript NM_000155.4 (MANE Select); coding-DNA position 262, C replaced by T.
Protein change: p.Gln88Ter; replaces glutamine 88 with a stop codon.
Molecular consequence: nonsense. On other transcripts: intron variant (1).
Genome position (GRCh38, 1-based): chr9:34,647,501, C>T. VCF-style: chr9-34647501-C-T. GRCh37 (hg19) VCF-style: chr9-34647498-C-T.
Other names: c.50+243C>T (NM_001258332.2); short protein forms Q88*.
Identifiers: ClinVar variation 4817624 (VCV004817624.1).

ClinVar aggregate classification (germline): Likely pathogenic (1 of 4 stars; one submission).

Conditions:
Galactosemia. Also called: Galactose intolerance. Identifiers: Orphanet 352, MedGen C0016952, MONDO:0018116, HP:0004919. Disease mechanism: loss of function.

Submission:

Natera, Inc.
Classification: Likely pathogenic for Galactosemia. Last evaluated: 2025-11-17. Review status: criteria provided, single submitter. Criteria: Natera Variant Classification Schema (03/2026). Collection method: clinical testing. Allele origin: germline.
Comment: The c.262C>T variant in GALT is a nonsense variant predicted to introduce a stop codon at amino acid 88. This variant is expected to result in nonsense mediated decay, truncation, or a dysfunctional protein product. This variant is rare in the general population with a frequency below the threshold expected for the associated phenotype(s). Given the available evidence, this variant is classified as Likely Pathogenic.